The following is an entry in ClinVar:

ClinVar aggregate classification (germline): Uncertain significance (1 of 4 stars; one submission).

Conditions:
MAGEL2-related disorder. Also called: MAGEL2-related condition.

Submission:

PreventionGenetics, part of Exact Sciences
Classification: Uncertain significance for MAGEL2-related condition. Last evaluated: 2025-09-24. Review status: criteria provided, single submitter. Criteria: ACMG Guidelines, 2015. Collection method: clinical testing. Allele origin: germline.
Comment: The MAGEL2 c.1234_1236delinsTGT variant is predicted to result in an in-frame deletion and insertion. To our knowledge, this variant has not been reported in the literature or in a large population database (gnomAD), indicating this variant is rare. At this time, the clinical significance of this variant is uncertain due to the absence of conclusive functional and genetic evidence.

NM_019066.5(MAGEL2):c.1234_1236delinsTGT (p.Gly412Cys)

Gene: MAGEL2 (MAGE family member L2; minus strand). Cytogenetic location: 15q11.2.
Variant type: Indel.
Coding change: c.1234_1236delinsTGT on transcript NM_019066.5 (MANE Select); coding-DNA positions 1234 to 1236, GGG replaced by TGT.
Protein change: p.Gly412Cys; replaces glycine 412 with cysteine.
Molecular consequence: missense variant.
Genome position (GRCh38, 1-based): chr15:23,646,507-23,646,509, CCC replaced by ACA on the plus strand (GGG replaced by TGT on the coding strand, the reverse complement: MAGEL2 is on the minus strand). VCF-style: chr15-23646507-CCC-ACA. GRCh37 (hg19) VCF-style: chr15-23891654-CCC-ACA.
Other names: short protein forms G412C.
Identifiers: ClinVar variation 4992837 (VCV004992837.1).